The following is an entry in ClinVar:

NM_000143.4(FH):c.19C>A (p.Leu7Ile)

Gene: FH (fumarate hydratase; minus strand). Cytogenetic location: 1q43.
Variant type: single nucleotide variant.
Coding change: c.19C>A on transcript NM_000143.4 (MANE Select); coding-DNA position 19, C replaced by A.
Protein change: p.Leu7Ile; replaces leucine 7 with isoleucine.
Molecular consequence: missense variant.
Genome position (GRCh38, 1-based): chr1:241,519,704, G>T on the plus strand (C>A on the coding strand, the complement: FH is on the minus strand). VCF-style: chr1-241519704-G-T. GRCh37 (hg19) VCF-style: chr1-241683004-G-T.
Other names: short protein forms L7I.
Identifiers: ClinVar variation 4641478 (VCV004641478.1).

ClinVar aggregate classification (germline): Uncertain significance (1 of 4 stars; one submission).

Conditions:
Hereditary cancer-predisposing syndrome. Also called: Neoplastic Syndromes, Hereditary; Tumor predisposition; Hereditary Cancer Syndrome; Hereditary neoplastic syndrome. Identifiers: Orphanet 140162, MedGen C0027672, MeSH D009386, MONDO:0015356.

Submission:

Ambry Genetics
Classification: Uncertain significance for Hereditary cancer-predisposing syndrome. Last evaluated: 2025-10-12. Review status: criteria provided, single submitter. Criteria: Ambry Variant Classification Scheme 2023. Collection method: clinical testing. Allele origin: germline.
Comment: The p.L7I variant (also known as c.19C>A), located in coding exon 1 of the FH gene, results from a C to A substitution at nucleotide position 19. The leucine at codon 7 is replaced by isoleucine, an amino acid with highly similar properties. This amino acid position is conserved. In addition, this alteration is predicted to be tolerated by in silico analysis. Based on the available evidence, the clinical significance of this variant remains unclear.